The following is an entry in ClinVar:

ClinVar aggregate classification (germline): Likely benign (1 of 4 stars; one submission).

Conditions:
AFF4-related disorder. Also called: AFF4-related condition.

gnomAD v4.1: 10 of 1,614,082 alleles (0.00062%); highest among the groups gnomAD compares: African/African-American, 0.012%; no homozygotes.

Submission:

PreventionGenetics, part of Exact Sciences
Classification: Likely benign for AFF4-related condition. Last evaluated: 2026-07-13. Review status: criteria provided, single submitter. Criteria: ACMG Guidelines, 2015. Collection method: clinical testing. Allele origin: germline.
Comment: This variant is classified as likely benign based on ACMG/AMP sequence variant interpretation guidelines (Richards et al. 2015 PMID: 25741868, with internal and published modifications).

NM_014423.4(AFF4):c.825C>T (p.Tyr275=)

Gene: AFF4 (ALF transcription elongation factor 4; minus strand). Cytogenetic location: 5q31.1.
Variant type: single nucleotide variant.
Coding change: c.825C>T on transcript NM_014423.4 (MANE Select); coding-DNA position 825, C replaced by T.
Protein change: p.Tyr275=; no amino-acid change (tyrosine 275 retained).
Molecular consequence: synonymous variant.
Genome position (GRCh38, 1-based): chr5:132,934,240, G>A on the plus strand (C>T on the coding strand, the complement: AFF4 is on the minus strand). VCF-style: chr5-132934240-G-A. GRCh37 (hg19) VCF-style: chr5-132269932-G-A.
Identifiers: ClinVar variation 5000490 (VCV005000490.1).